The following is an entry in ClinVar:

NM_004369.4(COL6A3):c.4514G>A (p.Arg1505His)

Gene: COL6A3 (collagen type VI alpha 3 chain; minus strand). Cytogenetic location: 2q37.3.
Variant type: single nucleotide variant.
Coding change: c.4514G>A on transcript NM_004369.4 (MANE Select); coding-DNA position 4514, G replaced by A.
Protein change: p.Arg1505His; replaces arginine 1505 with histidine.
Molecular consequence: missense variant.
Genome position (GRCh38, 1-based): chr2:237,368,949, C>T on the plus strand (G>A on the coding strand, the complement: COL6A3 is on the minus strand). VCF-style: chr2-237368949-C-T. GRCh37 (hg19) VCF-style: chr2-238277592-C-T.
Other names: c.2693G>A, p.Arg898His (NM_057166.5); c.3896G>A, p.Arg1299His (NM_057167.4); short protein forms R1505H, R898H, R1299H.
Identifiers: ClinVar variation 969475 (VCV000969475.10), dbSNP rs754840728, ClinGen allele CA2188873.

ClinVar aggregate classification (germline): Conflicting classifications of pathogenicity. Review status: criteria provided, conflicting classifications (1 of 4 stars). 2 submissions from 2 submitters: Uncertain significance (1); Likely benign (1). Last evaluated 2025-04-02.

Conditions:
Bethlem myopathy 1A. Also called: Bethlem Muscular Dystrophy; Bethlem myopathy 1; MYOPATHY, BENIGN CONGENITAL, WITH CONTRACTURES. Identifiers: Orphanet 610, MedGen CN029274, MONDO:0024530, OMIM 158810.

Allele frequency attached by ClinVar (database versions not stated): ExAC 0.00001; gnomAD 0.00001; gnomAD exomes 0.00001; TOPMed 0.00002.
gnomAD v4.1: 17 of 1,614,060 alleles (0.0011%); highest among the groups gnomAD compares: East Asian, 0.011%; no homozygotes.

Submissions (2):

GeneDx
Classification: Uncertain significance. Last evaluated: 2025-04-02. Review status: criteria provided, single submitter. Criteria: GeneDx Variant Classification Process June 2021. Collection method: clinical testing. Allele origin: germline. Affected: yes.
Comment: In silico analysis indicates that this missense variant does not alter protein structure/function; Has not been previously published as pathogenic or benign to our knowledge

Labcorp Genetics (formerly Invitae), Labcorp
Classification: Likely benign for Bethlem myopathy 1A. Last evaluated: 2023-08-18. Review status: criteria provided, single submitter. Criteria: Invitae Variant Classification Sherloc (09022015). Collection method: clinical testing. Allele origin: germline.